The following is an entry in ClinVar:

ClinVar aggregate classification (germline): Pathogenic. Review status: criteria provided, multiple submitters, no conflicts (2 of 4 stars). 2 submissions from 2 submitters: Pathogenic (2). Last evaluated 2023-05-14.

Conditions:
Hereditary retinoblastoma. Identifiers: Orphanet 357027, MedGen C0751483, MONDO:0018160.
Retinoblastoma (RB1). Also called: RETINOBLASTOMA, SOMATIC. Identifiers: Orphanet 790, MedGen C0035335, MeSH D012175, MONDO:0008380, OMIM 180200, HP:0009919. Disease mechanism: loss of function. Inheritance: Both sporadic and heritable forms are tested..

Submissions (2):

Labcorp Genetics (formerly Invitae), Labcorp
Classification: Pathogenic for Retinoblastoma. Last evaluated: 2023-05-14. Review status: criteria provided, single submitter. Criteria: Invitae Variant Classification Sherloc (09022015). Collection method: clinical testing. Allele origin: germline.
Comment: For these reasons, this variant has been classified as Pathogenic. ClinVar contains an entry for this variant (Variation ID: 1803103). This variant is also known as Q266 stop. This premature translational stop signal has been observed in individual(s) with clinical features of retinoblastoma (PMID: 8651278). This variant is not present in population databases (gnomAD no frequency). This sequence change creates a premature translational stop signal (p.Gln266*) in the RB1 gene. It is expected to result in an absent or disrupted protein product. Loss-of-function variants in RB1 are known to be pathogenic (PMID: 17096365).

Genetics and Molecular Pathology, SA Pathology
Classification: Pathogenic for Hereditary retinoblastoma. Last evaluated: 2020-05-05. Review status: criteria provided, single submitter. Criteria: ACMG Guidelines, 2015. Collection method: clinical testing. Allele origin: germline. Inheritance: Autosomal dominant inheritance. Affected: yes.
Comment: The RB1:c.796C>T variant is in exon 8 of 27 leads to a premature termination codon at codon 266, truncating a significant proportion of the wild type RB1 protein which is 928 amino acids in length (PVS1). The variant has been reported in the literature in association with disease (PMID: 8651278, PMID: 12541220) (PS1). It is absent from population databases (PM2). The variant is described in HGMD (2020.1) as disease causing and the RB1 lsdb (updated 08/18) as pathogenic (PP5). Premature truncation at codon 266 is predicted to result in a loss of the A/B pocket and C-terminal domains which is likely to have a detrimental effect on the protein function. In addition, germline RB1 truncating mutations are associated with complete penetrance and bilateral retinoblastoma (Lohmann 1999 Hum Mut 14:283-188).

Literature cited by the submitters: PubMed 8651278 (cited by Labcorp Genetics (formerly Invitae), Labcorp and Genetics and Molecular Pathology, SA Pathology); PubMed 17096365 (cited by Labcorp Genetics (formerly Invitae), Labcorp); PubMed 12541220 (cited by Genetics and Molecular Pathology, SA Pathology).

NM_000321.3(RB1):c.796C>T (p.Gln266Ter)

Gene: RB1 (RB transcriptional corepressor 1; plus strand). Cytogenetic location: 13q14.2.
Variant type: single nucleotide variant.
Coding change: c.796C>T on transcript NM_000321.3 (MANE Select); coding-DNA position 796, C replaced by T.
Protein change: p.Gln266Ter; replaces glutamine 266 with a stop codon.
Molecular consequence: nonsense.
Genome position (GRCh38, 1-based): chr13:48,362,892, C>T. VCF-style: chr13-48362892-C-T. GRCh37 (hg19) VCF-style: chr13-48937028-C-T.
Other names: c.796C>T, p.Gln266Ter (NM_001407165.1, NM_001407166.1); short protein forms Q266*.
Identifiers: ClinVar variation 1803103 (VCV001803103.4), dbSNP rs2138112509, ClinGen allele CA388159468.